The following is an entry in ClinVar:

ClinVar aggregate classification (germline): Likely pathogenic. Review status: criteria provided, single submitter (1 of 4 stars). 2 submissions from 2 submitters: Likely pathogenic (1). 1 of the submissions does not count toward it. Last evaluated 2023-08-23.

Conditions:
Ornithine carbamoyltransferase deficiency (OTCD). Also called: ORNITHINE TRANSCARBAMYLASE DEFICIENCY; ORNITHINE TRANSCARBAMYLASE DEFICIENCY, HYPERAMMONEMIA DUE TO; OTC DEFICIENCY; Ornithine Carbamoyltransferase Deficiency Disease. Identifiers: Orphanet 664, MedGen C0268542, MONDO:0010703, OMIM 311250.
OTC-related disorder. Also called: OTC-related condition.

Submissions (2):

Baylor Genetics
Classification: Likely pathogenic for Ornithine carbamoyltransferase deficiency. Last evaluated: 2023-08-23. Review status: criteria provided, single submitter. Criteria: ACMG Guidelines, 2015. Collection method: clinical testing. Allele origin: unknown.

PreventionGenetics, part of Exact Sciences
Classification: Pathogenic for OTC-related condition. Last evaluated: 2024-03-28. Review status: no assertion criteria provided. Collection method: clinical testing. Allele origin: germline. Not counted in ClinVar's aggregate classification.
Comment: The OTC c.563G>C variant is predicted to result in the amino acid substitution p.Gly188Ala. This variant was reported in multiple hemizygous males with hyperammonemia and a diagnosis of ornithine transcarbamylase deficiency with a later age of onset and milder effect and heterozygous females being asymptomatic (Shchelochkov et al. 2009. PubMed ID: 19138872; Rush et al. 2014. PubMed ID: 27489649; Table S2, Gobin-Limballe et al. 2021. PubMed ID: 34014569). Other substitutions at this amino acid position (p.Gly188Arg, p.Gly188Val) have also been reported as pathogenic (Gilbert-Dussardier et al. 1996. PubMed ID: 8807340; Climent et al. 1999. PubMed ID: 10502831). This variant has not been reported in a large population database, indicating this variant is rare. This variant is interpreted as pathogenic.

NM_000531.6(OTC):c.563G>C (p.Gly188Ala)

Gene: OTC (ornithine transcarbamylase; plus strand). Cytogenetic location: Xp11.4.
Variant type: single nucleotide variant.
Coding change: c.563G>C on transcript NM_000531.6 (MANE Select); coding-DNA position 563, G replaced by C.
Protein change: p.Gly188Ala; replaces glycine 188 with alanine.
Molecular consequence: missense variant.
Genome position (GRCh38, 1-based): chrX:38,403,640, G>C. VCF-style: chrX-38403640-G-C. GRCh37 (hg19) VCF-style: chrX-38262893-G-C.
Other names: c.563G>C (NM_000531.5); c.563G>C, p.Gly188Ala (NM_001407092.1); short protein forms G188A.
Identifiers: ClinVar variation 2677425 (VCV002677425.2), dbSNP rs72556295, ClinGen allele CA412725277.